The following is an entry in ClinVar:

ClinVar aggregate classification (germline): Uncertain significance. Review status: criteria provided, multiple submitters, no conflicts (2 of 4 stars). 2 submissions from 2 submitters: Uncertain significance (2). Last evaluated 2024-12-17.

Conditions:
Inborn genetic diseases. Identifiers: MedGen C0950123, MeSH D030342.
Spastic paraplegia. Identifiers: MedGen C0037772, HP:0001258.

Allele frequency attached by ClinVar (database versions not stated): TOPMed 0.00003; ExAC 0.00002.
gnomAD v4.1: 33 of 1,614,170 alleles (0.002%); highest among the groups gnomAD compares: South Asian, 0.0088%; no homozygotes.

Submissions (2):

Ambry Genetics
Classification: Uncertain significance for Inborn genetic diseases. Last evaluated: 2024-12-17. Review status: criteria provided, single submitter. Criteria: Ambry Variant Classification Scheme 2023. Collection method: clinical testing. Allele origin: germline.

Labcorp Genetics (formerly Invitae), Labcorp
Classification: Uncertain significance for Spastic paraplegia. Last evaluated: 2022-07-12. Review status: criteria provided, single submitter. Criteria: Invitae Variant Classification Sherloc (09022015). Collection method: clinical testing. Allele origin: germline.
Comment: This sequence change replaces aspartic acid, which is acidic and polar, with asparagine, which is neutral and polar, at codon 478 of the B4GALNT1 protein (p.Asp478Asn). This variant is present in population databases (rs762763123, gnomAD 0.02%). This variant has not been reported in the literature in individuals affected with B4GALNT1-related conditions. ClinVar contains an entry for this variant (Variation ID: 1043546). Algorithms developed to predict the effect of missense changes on protein structure and function are either unavailable or do not agree on the potential impact of this missense change (SIFT: "Deleterious"; PolyPhen-2: "Benign"; Align-GVGD: "Class C0"). In summary, the available evidence is currently insufficient to determine the role of this variant in disease. Therefore, it has been classified as a Variant of Uncertain Significance.

NM_001478.5(B4GALNT1):c.1432G>A (p.Asp478Asn)

Gene: B4GALNT1 (beta-1,4-N-acetyl-galactosaminyltransferase 1; minus strand). Cytogenetic location: 12q13.3.
Variant type: single nucleotide variant.
Coding change: c.1432G>A on transcript NM_001478.5 (MANE Select); coding-DNA position 1432, G replaced by A.
Protein change: p.Asp478Asn; replaces aspartic acid 478 with asparagine.
Molecular consequence: missense variant.
Genome position (GRCh38, 1-based): chr12:57,626,914, C>T on the plus strand (G>A on the coding strand, the complement: B4GALNT1 is on the minus strand). VCF-style: chr12-57626914-C-T. GRCh37 (hg19) VCF-style: chr12-58020697-C-T.
Other names: c.1267G>A, p.Asp423Asn (NM_001276468.2); c.1432G>A (NM_001478.3); short protein forms D423N, D478N.
Identifiers: ClinVar variation 1043546 (VCV001043546.3), dbSNP rs762763123, ClinGen allele CA6655436.